The following is an entry in ClinVar:

NM_000069.3(CACNA1S):c.2227+3G>A

Gene: CACNA1S (calcium voltage-gated channel subunit alpha1 S; minus strand). Cytogenetic location: 1q32.1.
Variant type: single nucleotide variant.
Coding change: c.2227+3G>A on transcript NM_000069.3 (MANE Select); 3 bases into the intron after coding-DNA position 2227, G replaced by A.
Molecular consequence: intron variant.
Genome position (GRCh38, 1-based): chr1:201,072,752, C>T on the plus strand (G>A on the coding strand, the complement: CACNA1S is on the minus strand). VCF-style: chr1-201072752-C-T. GRCh37 (hg19) VCF-style: chr1-201041880-C-T.
Identifiers: ClinVar variation 2931581 (VCV002931581.4), dbSNP rs1191091065, ClinGen allele CA528305057.
Genomic context (GRCh38, chr1:201,072,752, plus strand): 5'-AGGACCGGCACACCCCTACTTCACCCCAGCACCCTGCTCCAGTCCAGTCTCCAGCATCCT[C>T]ACCTGGGAAGTCGGCTGAGGGGTAGGGATCCTTCACCTCATTGACATTAGATTCAAACTC-3'

ClinVar aggregate classification (germline): Uncertain significance. Review status: criteria provided, multiple submitters, no conflicts (2 of 4 stars). 2 submissions from 2 submitters: Uncertain significance (2). Last evaluated 2024-11-18.

Conditions:
Malignant hyperthermia, susceptibility to, 5 (MHS5). Also called: CACNA1S-Related Malignant Hyperthermia Susceptibility. Identifiers: Orphanet 423, MedGen C1866077, MONDO:0011163, OMIM 601887.
Hypokalemic periodic paralysis, type 1. Also called: Hypokalemic Periodic Paralysis Type 1 (AD); HypoPP. Identifiers: Orphanet 681, MedGen C3714580, MONDO:0042979, OMIM 170400.

Allele frequency attached by ClinVar (database versions not stated): gnomAD exomes below 0.00001.
gnomAD v4.1: 5 of 1,612,448 alleles (0.00031%); highest among the groups gnomAD compares: East Asian, 0.0045%; no homozygotes.

Submissions (2):

Labcorp Genetics (formerly Invitae), Labcorp
Classification: Uncertain significance for Hypokalemic periodic paralysis, type 1; Malignant hyperthermia, susceptibility to, 5. Last evaluated: 2024-11-18. Review status: criteria provided, single submitter. Criteria: Invitae Variant Classification Sherloc (09022015). Collection method: clinical testing. Allele origin: germline.
Comment: This sequence change falls in intron 16 of the CACNA1S gene. It does not directly change the encoded amino acid sequence of the CACNA1S protein. It affects a nucleotide within the consensus splice site. This variant is present in population databases (no rsID available, gnomAD 0.01%). This variant has not been reported in the literature in individuals affected with CACNA1S-related conditions. ClinVar contains an entry for this variant (Variation ID: 2931581). Variants that disrupt the consensus splice site are a relatively common cause of aberrant splicing (PMID: 17576681, 9536098). Algorithms developed to predict the effect of sequence changes on RNA splicing suggest that this variant is not likely to affect RNA splicing. In summary, the available evidence is currently insufficient to determine the role of this variant in disease. Therefore, it has been classified as a Variant of Uncertain Significance.

All of Us Research Program, National Institutes of Health
Classification: Uncertain significance for Malignant hyperthermia, susceptibility to, 5. Last evaluated: 2023-05-16. Review status: criteria provided, single submitter. Criteria: ACMG Guidelines, 2015. Collection method: clinical testing. Allele origin: germline. Inheritance: Autosomal dominant inheritance. Observed: 1 variant allele, 1 heterozygote.
Comment: This variant causes a G to A nucleotide substitution at the +3 position of intron 16 of the CACNA1S gene. To our knowledge, functional studies have not been reported for this variant. This variant has not been reported in individuals affected with CACNA1S-related disorders in the literature. This variant has been identified in 2/251290 chromosomes in the general population by the Genome Aggregation Database (gnomAD). The available evidence is insufficient to determine the role of this variant in disease conclusively. Therefore, this variant is classified as a Variant of Uncertain Significance.

This study involves interpretation of variants in research participants for the purpose of population health screening. Participant phenotype was not available at the time of variant classification. Additional details can be found in publication PMID: 35346344, PMCID: PMC8962531

Literature cited by the submitters: PubMed 17576681 (cited by Labcorp Genetics (formerly Invitae), Labcorp); PubMed 9536098 (cited by Labcorp Genetics (formerly Invitae), Labcorp).